The following is an entry in ClinVar:

NM_017763.6(RNF43):c.815G>T (p.Cys272Phe)

Gene: RNF43 (ring finger protein 43; minus strand). Cytogenetic location: 17q22.
Variant type: single nucleotide variant.
Coding change: c.815G>T on transcript NM_017763.6 (MANE Select); coding-DNA position 815, G replaced by T.
Protein change: p.Cys272Phe; replaces cysteine 272 with phenylalanine.
Molecular consequence: missense variant.
Genome position (GRCh38, 1-based): chr17:58,360,817, C>A on the plus strand (G>T on the coding strand, the complement: RNF43 is on the minus strand). VCF-style: chr17-58360817-C-A. GRCh37 (hg19) VCF-style: chr17-56438178-C-A.
Other names: c.815G>T, p.Cys272Phe (NM_001305544.3); c.434G>T, p.Cys145Phe (NM_001305545.2); short protein forms C272F, C145F.
Identifiers: ClinVar variation 3946921 (VCV003946921.1).
Genomic context (GRCh38, chr17:58,360,817, plus strand): 5'-GAGGTGAACCACAAGACCTGCCTTACCTGCCCCTCAGAGAACTCCTCCAGACAGATGGCA[C>A]ACACAGGGGCTGAGCTGCAGCTGCTCCCTGAGTCTGGCCACTCACCCCGGGCCTGCCTGC-3'
Protein context (NP_060233.3, residues 262-282): SGSSCSSAPV[Cys272Phe]AICLEEFSEG

ClinVar aggregate classification (germline): Uncertain significance (1 of 4 stars; one submission).

Submission:

Ambry Genetics
Classification: Uncertain significance. Last evaluated: 2025-05-31. Review status: criteria provided, single submitter. Criteria: Ambry Variant Classification Scheme 2023. Collection method: clinical testing. Allele origin: germline.
Comment: The p.C272F variant (also known as c.815G>T), located in coding exon 6 of the RNF43 gene, results from a G to T substitution at nucleotide position 815. The cysteine at codon 272 is replaced by phenylalanine, an amino acid with highly dissimilar properties. This amino acid position is conserved. In addition, this alteration is predicted to be deleterious by in silico analysis. Based on the available evidence, the clinical significance of this variant remains unclear.